The following is an entry in ClinVar:

NM_000088.4(COL1A1):c.2482G>T (p.Glu828Ter)

Gene: COL1A1 (collagen type I alpha 1 chain; minus strand). Cytogenetic location: 17q21.33.
Variant type: single nucleotide variant.
Coding change: c.2482G>T on transcript NM_000088.4 (MANE Select); coding-DNA position 2482, G replaced by T.
Protein change: p.Glu828Ter; replaces glutamic acid 828 with a stop codon.
Molecular consequence: nonsense.
Genome position (GRCh38, 1-based): chr17:50,190,078, C>A on the plus strand (G>T on the coding strand, the complement: COL1A1 is on the minus strand). VCF-style: chr17-50190078-C-A. GRCh37 (hg19) VCF-style: chr17-48267439-C-A.
Other names: short protein forms E828*.
Identifiers: ClinVar variation 2027995 (VCV002027995.4), dbSNP rs199510546, ClinGen allele CA400207831.

ClinVar aggregate classification (germline): Pathogenic (1 of 4 stars; one submission).

Conditions:
Osteogenesis imperfecta type I (OI1). Also called: Lobstein disease; OI, TYPE I; OSTEOGENESIS IMPERFECTA TARDA; OSTEOGENESIS IMPERFECTA WITH BLUE SCLERAE; Osteogenesis imperfecta type 1; Classic Non-deforming Osteogenesis Imperfecta with Blue Sclerae. Identifiers: Orphanet 216796, Orphanet 666, MedGen C0023931, MONDO:0008146, OMIM 166200. Disease mechanism: loss of function.

Submission:

Labcorp Genetics (formerly Invitae), Labcorp
Classification: Pathogenic for Osteogenesis imperfecta type I. Last evaluated: 2025-12-03. Review status: criteria provided, single submitter. Criteria: Invitae Variant Classification Sherloc (09022015). Collection method: clinical testing. Allele origin: germline.
Comment: This sequence change creates a premature translational stop signal (p.Glu828*) in the COL1A1 gene. It is expected to result in an absent or disrupted protein product. Loss-of-function variants in COL1A1 are known to be pathogenic (PMID: 7942841, 9295084, 9443882). This variant is not present in population databases (gnomAD no frequency). This variant has not been reported in the literature in individuals affected with COL1A1-related conditions. ClinVar contains an entry for this variant (Variation ID: 2027995). For these reasons, this variant has been classified as Pathogenic.

Literature cited by the submitters: PubMed 7942841; PubMed 9295084; PubMed 9443882.